The following is an entry in ClinVar:

NM_002907.4(RECQL):c.1238_1241dup (p.Cys414Ter)

Gene: RECQL (RecQ like helicase; minus strand). Cytogenetic location: 12p12.1.
Variant type: Duplication.
Coding change: c.1238_1241dup on transcript NM_002907.4 (MANE Select); coding-DNA positions 1238 to 1241, 4 bases duplicated (ACTG; older notation c.1238_1241dupACTG).
Protein change: p.Cys414Ter; replaces cysteine 414 with a stop codon.
Molecular consequence: nonsense.
Genome position (GRCh38, 1-based): chr12:21,474,955-21,474,958, CAGT duplicated on the plus strand (ACTG on the coding strand, the reverse complement: RECQL is on the minus strand); duplicating any 4 consecutive bases within chr12:21,474,955-21,474,959 gives the same sequence; the c. name uses the placement nearest the transcript's 3' end. VCF-style (leftmost placement, unchanged base first): chr12-21474954-A-ACAGT. GRCh37 (hg19) VCF-style: chr12-21627888-A-ACAGT.
Other names: c.1238_1241dupACTG (NM_002907.3); c.1238_1241dup, p.Cys414Ter (NM_032941.3); short protein forms C414*.
Identifiers: ClinVar variation 2713135 (VCV002713135.4), dbSNP rs2540341504, ClinGen allele CA2697559131.

ClinVar aggregate classification (germline): Uncertain significance. Review status: criteria provided, multiple submitters, no conflicts (2 of 4 stars). 2 submissions from 2 submitters: Uncertain significance (2). Last evaluated 2023-10-27.

Submissions (2):

Ambry Genetics
Classification: Uncertain significance. Last evaluated: 2023-10-27. Review status: criteria provided, single submitter. Criteria: Ambry Variant Classification Scheme 2023. Collection method: clinical testing. Allele origin: germline.
Comment: The c.1238_1241dupACTG variant, located in coding exon 10 of the RECQL gene, results from a duplication of ACTG at nucleotide position 1238, causing a translational frameshift with a predicted alternate stop codon (p.C414*). This alteration is expected to result in loss of function by premature protein truncation or nonsense-mediated mRNA decay. The evidence for this gene-disease relationship is limited; therefore, the clinical significance of this alteration is unclear.

Labcorp Genetics (formerly Invitae), Labcorp
Classification: Uncertain significance. Last evaluated: 2023-06-14. Review status: criteria provided, single submitter. Criteria: Invitae Variant Classification Sherloc (09022015). Collection method: clinical testing. Allele origin: germline.
Comment: In summary, the available evidence is currently insufficient to determine the role of this variant in disease. Therefore, it has been classified as a Variant of Uncertain Significance. This variant has not been reported in the literature in individuals affected with RECQL-related conditions. This variant is not present in population databases (gnomAD no frequency). This sequence change creates a premature translational stop signal (p.Cys414*) in the RECQL gene. It is expected to result in an absent or disrupted protein product. However, the current clinical and genetic evidence is not sufficient to establish whether loss-of-function variants in RECQL cause disease.